The following is an entry in ClinVar:

ClinVar aggregate classification (germline): Uncertain significance. Review status: criteria provided, single submitter (1 of 4 stars). 2 submissions from 2 submitters: Uncertain significance (1). 1 of the submissions does not count toward it. Last evaluated 2022-09-13.

Conditions:
Methylmalonic aciduria, cblB type (MACB). Also called: METHYLMALONIC ACIDURIA, VITAMIN B12-RESPONSIVE, DUE TO DEFECT IN SYNTHESIS OF ADENOSYLCOBALAMIN, cblB TYPE; Methylmalonic acidemia cblB type; Vitamin B12-responsive methylmalonic acidemia type cblB. Identifiers: Orphanet 28, Orphanet 79311, MedGen C1855102, MONDO:0009614, OMIM 251110.

Allele frequency attached by ClinVar (database versions not stated): gnomAD exomes 0.00001 and 0.00003; gnomAD 0.00002 and 0.00003; TOPMed 0.00002; ExAC 0.00004; 1000 Genomes Project 0.00020; 1000 Genomes Project 30x 0.00031.
gnomAD v4.1: 25 of 1,608,302 alleles (0.0016%); highest among the groups gnomAD compares: Middle Eastern, 0.017%; no homozygotes.

Submissions (2):

Labcorp Genetics (formerly Invitae), Labcorp
Classification: Uncertain significance for Methylmalonic aciduria, cblB type. Last evaluated: 2022-09-13. Review status: criteria provided, single submitter. Criteria: Invitae Variant Classification Sherloc (09022015). Collection method: clinical testing. Allele origin: germline.
Comment: This sequence change replaces glycine, which is neutral and non-polar, with serine, which is neutral and polar, at codon 125 of the MMAB protein (p.Gly125Ser). This variant is present in population databases (rs193015172, gnomAD 0.02%). This variant has not been reported in the literature in individuals affected with MMAB-related conditions. ClinVar contains an entry for this variant (Variation ID: 534560). Advanced modeling of protein sequence and biophysical properties (such as structural, functional, and spatial information, amino acid conservation, physicochemical variation, residue mobility, and thermodynamic stability) performed at Invitae indicates that this missense variant is not expected to disrupt MMAB protein function. In summary, the available evidence is currently insufficient to determine the role of this variant in disease. Therefore, it has been classified as a Variant of Uncertain Significance.

Natera, Inc.
Classification: Uncertain significance for Methylmalonic aciduria cblB type. Last evaluated: 2021-04-06. Review status: no assertion criteria provided. Collection method: clinical testing. Allele origin: germline. Not counted in ClinVar's aggregate classification.

NM_052845.4(MMAB):c.373G>A (p.Gly125Ser)

Gene: MMAB (metabolism of cobalamin associated B; minus strand). Cytogenetic location: 12q24.11.
Variant type: single nucleotide variant.
Coding change: c.373G>A on transcript NM_052845.4 (MANE Select); coding-DNA position 373, G replaced by A.
Protein change: p.Gly125Ser; replaces glycine 125 with serine.
Molecular consequence: missense variant. On other transcripts: non-coding transcript variant (1).
Genome position (GRCh38, 1-based): chr12:109,561,828, C>T on the plus strand (G>A on the coding strand, the complement: MMAB is on the minus strand). VCF-style: chr12-109561828-C-T. GRCh37 (hg19) VCF-style: chr12-109999633-C-T.
Other names: short protein forms G125S.
Identifiers: ClinVar variation 534560 (VCV000534560.8), dbSNP rs193015172, ClinGen allele CA6778930.